The following is an entry in ClinVar:

NM_001037.5(SCN1B):c.-27G>T

Gene: SCN1B (sodium voltage-gated channel beta subunit 1; plus strand). Cytogenetic location: 19q13.11.
Variant type: single nucleotide variant.
Coding change: c.-27G>T on transcript NM_001037.5 (MANE Select); 27 bases upstream of the start codon, G replaced by T.
Molecular consequence: 5 prime UTR variant.
Genome position (GRCh38, 1-based): chr19:35,030,794, G>T. VCF-style: chr19-35030794-G-T. GRCh37 (hg19) VCF-style: chr19-35521698-G-T.
Other names: c.-27G>T (NM_199037.5).
Identifiers: ClinVar variation 190851 (VCV000190851.1), dbSNP rs758958222, ClinGen allele CA302139.

ClinVar aggregate classification (germline): Likely benign (1 of 4 stars; one submission).

gnomAD v4.1: 1 of 1,011,506 alleles (0.000099%); highest among the groups gnomAD compares: Non-Finnish European, 0.00013%; no homozygotes.

Submission:

GeneDx
Classification: Likely benign. Last evaluated: 2012-08-09. Review status: criteria provided, single submitter. Criteria: GeneDx Variant Classification (06012015). Collection method: clinical testing. Allele origin: germline. Affected: yes.
Comment: This variant is considered likely benign or benign based on one or more of the following criteria: it is a conservative change, it occurs at a poorly conserved position in the protein, it is predicted to be benign by multiple in silico algorithms, and/or has population frequency not consistent with disease.